The following is an entry in ClinVar:

NM_001161352.2(KCNMA1):c.2951T>C (p.Val984Ala)

Genes: KCNMA1-AS1 (KCNMA1 antisense RNA 1; plus strand), KCNMA1 (potassium calcium-activated channel subfamily M alpha 1; minus strand). Cytogenetic location: 10q22.3.
Variant type: single nucleotide variant.
Coding change: c.2951T>C on transcript NM_001161352.2 (MANE Select); coding-DNA position 2951, T replaced by C.
Protein change: p.Val984Ala; replaces valine 984 with alanine.
Molecular consequence: missense variant.
Genome position (GRCh38, 1-based): chr10:76,915,001, A>G on the plus strand (T>C on the coding strand, the complement: KCNMA1 is on the minus strand). VCF-style: chr10-76915001-A-G. GRCh37 (hg19) VCF-style: chr10-78674759-A-G.
Other names: c.2789T>C, p.Val930Ala (NM_001014797.3, NM_001322835.2, NM_001322837.2); c.2900T>C, p.Val967Ala (NM_001161353.2); c.2627T>C, p.Val876Ala (NM_001271518.2); c.2786T>C, p.Val929Ala (NM_001271519.2, NM_001322829.2, NM_001322836.2); c.2798T>C, p.Val933Ala (NM_001322830.2); c.2777T>C, p.Val926Ala (NM_001322832.2, NM_001410940.1, NM_002247.4); c.2324T>C, p.Val775Ala (NM_001322838.2); short protein forms V775A, V876A, V926A, V929A, V930A, V933A, V967A, V984A.
Identifiers: ClinVar variation 1719205 (VCV001719205.6), dbSNP rs1341072000, ClinGen allele CA377404375.

ClinVar aggregate classification (germline): Uncertain significance (1 of 4 stars; one submission).

Conditions:
Generalized epilepsy-paroxysmal dyskinesia syndrome (PNKD3). Also called: Generalized epilepsy and paroxysmal dyskinesia; Paroxysmal nonkinesigenic dyskinesia, 3, with or without generalized epilepsy. Identifiers: Orphanet 79137, MedGen C5574945, MONDO:0012276, OMIM 609446.

Submission:

Labcorp Genetics (formerly Invitae), Labcorp
Classification: Uncertain significance for Generalized epilepsy-paroxysmal dyskinesia syndrome. Last evaluated: 2022-10-08. Review status: criteria provided, single submitter. Criteria: Invitae Variant Classification Sherloc (09022015). Collection method: clinical testing. Allele origin: germline.
Comment: This variant has not been reported in the literature in individuals affected with KCNMA1-related conditions. This sequence change replaces valine, which is neutral and non-polar, with alanine, which is neutral and non-polar, at codon 926 of the KCNMA1 protein (p.Val926Ala). This variant is not present in population databases (gnomAD no frequency). Algorithms developed to predict the effect of missense changes on protein structure and function are either unavailable or do not agree on the potential impact of this missense change (SIFT: "Deleterious"; PolyPhen-2: "Benign"; Align-GVGD: "Class C25"). In summary, the available evidence is currently insufficient to determine the role of this variant in disease. Therefore, it has been classified as a Variant of Uncertain Significance.